The following is an entry in ClinVar:

ClinVar aggregate classification (germline): Benign. Review status: criteria provided, multiple submitters, no conflicts (2 of 4 stars). 4 submissions from 4 submitters: Benign (3). 1 of the submissions does not count toward it. Last evaluated 2026-02-03.

Allele frequency attached by ClinVar (database versions not stated): ESP Exome Variant Server 0.07744; ExAC 0.07746; gnomAD 0.06722 and 0.06939; 1000 Genomes Project 30x 0.07277; gnomAD exomes 0.07493; TOPMed 0.06876; 1000 Genomes Project 0.07488.
gnomAD v4.1: 135,761 of 1,613,006 alleles (8.4%); highest among the groups gnomAD compares: Middle Eastern, 14%; 6,162 homozygotes.

Submissions (12):

Labcorp Genetics (formerly Invitae), Labcorp
Classification: Benign. Last evaluated: 2026-02-03. Review status: criteria provided, single submitter. Criteria: Invitae Variant Classification Sherloc (09022015). Collection method: clinical testing. Allele origin: germline.

GeneDx
Classification: Benign. Last evaluated: 2015-03-03. Review status: criteria provided, single submitter. Criteria: GeneDx Variant Classification Process June 2021. Collection method: clinical testing. Allele origin: germline. Affected: yes.

Breakthrough Genomics
Classification: Benign. Review status: criteria provided, single submitter. Criteria: ACMG Guidelines, 2015. Collection method: not provided. Allele origin: germline. Inheritance: Autosomal recessive inheritance. Affected: yes.

Dr. Peter K. Rogan Lab, Western University
No classification provided (evidence only). Condition: Malignant lymphoma, large B-cell, diffuse. Review status: no classification provided. Collection method: in vitro. Allele origin: not applicable. Functional consequence: retained intron. Not counted in ClinVar's aggregate classification.

Dr. Peter K. Rogan Lab, Western University
No classification provided (evidence only). Condition: Thymoma. Review status: no classification provided. Collection method: in vitro. Allele origin: not applicable. Functional consequence: retained intron. Not counted in ClinVar's aggregate classification.

Dr. Peter K. Rogan Lab, Western University
No classification provided (evidence only). Condition: Cholangiocarcinoma. Review status: no classification provided. Collection method: in vitro. Allele origin: not applicable. Functional consequence: retained intron. Not counted in ClinVar's aggregate classification.

Dr. Peter K. Rogan Lab, Western University
No classification provided (evidence only). Condition: Cholangiocarcinoma. Review status: no classification provided. Collection method: in vitro. Allele origin: not applicable. Functional consequence: retained intron. Not counted in ClinVar's aggregate classification.

Dr. Peter K. Rogan Lab, Western University
No classification provided (evidence only). Condition: Cholangiocarcinoma. Review status: no classification provided. Collection method: in vitro. Allele origin: not applicable. Functional consequence: retained intron. Not counted in ClinVar's aggregate classification.

Dr. Peter K. Rogan Lab, Western University
No classification provided (evidence only). Condition: Adrenocortical carcinoma, hereditary. Review status: no classification provided. Collection method: in vitro. Allele origin: not applicable. Functional consequence: retained intron. Not counted in ClinVar's aggregate classification.

Dr. Peter K. Rogan Lab, Western University
No classification provided (evidence only). Condition: Uterine carcinosarcoma. Review status: no classification provided. Collection method: in vitro. Allele origin: not applicable. Functional consequence: retained intron. Not counted in ClinVar's aggregate classification.

Dr. Peter K. Rogan Lab, Western University
No classification provided (evidence only). Condition: Uveal melanoma. Review status: no classification provided. Collection method: in vitro. Allele origin: not applicable. Functional consequence: retained intron. Not counted in ClinVar's aggregate classification.

Genetic Services Laboratory, University of Chicago
Classification: Likely benign for AllHighlyPenetrant. Review status: no assertion criteria provided. Collection method: clinical testing. Allele origin: germline. Inheritance: X-linked inheritance. Not counted in ClinVar's aggregate classification.
Comment: Likely benign based on allele frequency in 1000 Genomes Project or ESP global frequency and its presence in a patient with a rare or unrelated disease phenotype. NOT Sanger confirmed.

NM_006059.4(LAMC3):c.1047C>T (p.Gly349=)

Gene: LAMC3 (laminin subunit gamma 3; plus strand). Cytogenetic location: 9q34.12.
Variant type: single nucleotide variant.
Coding change: c.1047C>T on transcript NM_006059.4 (MANE Select); coding-DNA position 1047, C replaced by T.
Protein change: p.Gly349=; no amino-acid change (glycine 349 retained).
Molecular consequence: synonymous variant.
Genome position (GRCh38, 1-based): chr9:131,038,934, C>T. VCF-style: chr9-131038934-C-T. GRCh37 (hg19) VCF-style: chr9-133914321-C-T.
Identifiers: ClinVar variation 129448 (VCV000129448.17), dbSNP rs45603838, ClinGen allele CA153466.
Genomic context (GRCh38, chr9:131,038,934, plus strand): 5'-CAGTGGCCGCTCCGAGGAATGCACGTTTGATCGGGAGCTCTTCCGCAGCACAGGCCACGG[C>T]GGGCGCTGTCACCACTGCCGTGACCACACAGCTGGGCCACACTGTGAGCGCTGTCAGGAG-3'
Protein context (NP_006050.3, residues 339-359): DRELFRSTGH[Gly349=]GRCHHCRDHT